The following is an entry in ClinVar:

NM_016580.4(PCDH12):c.451C>T (p.Arg151Ter)

Genes: PCDH12 (protocadherin 12; minus strand), RNF14 (ring finger protein 14; plus strand). Cytogenetic location: 5q31.3.
Variant type: single nucleotide variant.
Coding change: c.451C>T on transcript NM_016580.4 (MANE Select); coding-DNA position 451, C replaced by T.
Protein change: p.Arg151Ter; replaces arginine 151 with a stop codon.
Molecular consequence: nonsense.
Genome position (GRCh38, 1-based): chr5:141,957,401, G>A on the plus strand (C>T on the coding strand, the complement: PCDH12 is on the minus strand). VCF-style: chr5-141957401-G-A. GRCh37 (hg19) VCF-style: chr5-141336966-G-A.
Other names: NM_016580.4(PCDH12):c.451C>T; p.Arg151Ter; short protein forms R151*.
Identifiers: ClinVar variation 1342872 (VCV001342872.7), dbSNP rs1175979418, ClinGen allele CA361591276.

ClinVar aggregate classification (germline): Pathogenic. Review status: criteria provided, multiple submitters, no conflicts (2 of 4 stars). 6 submissions from 6 submitters: Pathogenic (6). Last evaluated 2025-03-04.

Conditions:
Diencephalic-mesencephalic junction dysplasia. Also called: Diencephalic-mesencephalic junction dysplasia syndrome. Identifiers: Orphanet 319192, MedGen C4707858, MONDO:0017868.
Diencephalic-mesencephalic junction dysplasia syndrome 1 (DMJDS1). Also called: Microcephaly with spastic quadriplegia. Identifiers: MedGen C4538630, MONDO:0009625, OMIM 251280.

Allele frequency attached by ClinVar (database versions not stated): gnomAD exomes below 0.00001 and 0.00002; gnomAD 0.00001.
gnomAD v4.1: 33 of 1,613,182 alleles (0.002%); highest among the groups gnomAD compares: Non-Finnish European, 0.0025%; no homozygotes.

Submissions (6):

Institute of Human Genetics, University of Leipzig Medical Center
Classification: Pathogenic for Diencephalic-mesencephalic junction dysplasia syndrome 1. Last evaluated: 2025-03-04. Review status: criteria provided, single submitter. Criteria: ACMG Guidelines, 2015. Collection method: clinical testing. Allele origin: inherited. Inheritance: Autosomal recessive inheritance. Affected: yes.
Comment: Criteria applied: PVS1,PM2,PM3

Clinical Genetics Laboratory, Skane University Hospital Lund
Classification: Pathogenic. Last evaluated: 2023-12-21. Review status: criteria provided, single submitter. Criteria: ACMG Guidelines, 2015. Collection method: clinical testing. Allele origin: germline. Affected: yes.

Broad Center for Mendelian Genomics, Broad Institute of MIT and Harvard
Classification: Pathogenic for Diencephalic-mesencephalic junction dysplasia syndrome 1. Last evaluated: 2023-05-02. Review status: criteria provided, single submitter. Criteria: ACMG Guidelines, 2015. Collection method: curation. Allele origin: germline. Inheritance: Autosomal recessive inheritance.
Comment: The homozygous p.Arg151Ter variant in PCDH12 was identified by our study in two unrelated individuals with diencephalic-mesencephalic junction dysplasia syndrome 1 (PMID: 34791078). The p.Arg151Ter variant in PCDH12 has been previously reported in three affected relatives from one family with diencephalic-mesencephalic junction dysplasia syndrome 1 (PMID: 30178464) and segregated with disease in this family but has been identified in 0.003% (1/34474) of Latino/Admixed American chromosomes by the Genome Aggregation Database (gnomAD; dbSNP ID: rs1175979418). Although this variant has been seen in the general population in a heterozygous state, its frequency is low enough to be consistent with a recessive carrier frequency. These previously reported individuals (PMID: 30178464) and the individuals identified by our study (PMID: 34791078) were homozygotes, which increases the likelihood that the p.Arg151Ter variant in PCDH12 is pathogenic. This variant has also been reported in ClinVar (Variation ID: 1342872) and has been interpreted as pathogenic by Institute of Medical Genetics and Applied Genomics, University Hospital T√ºbingen and Institute of Human Genetics, Klinikum rechts der Isar. This nonsense variant leads to a premature termination codon at position 151, which is predicted to lead to a truncated or absent protein. Loss of function of the PCDH12 gene is an established disease mechanism in autosomal recessive diencephalic-mesencephalic junction dysplasia syndrome 1. In summary, this variant meets criteria to be classified as pathogenic for autosomal recessive diencephalic-mesencephalic junction dysplasia syndrome 1. ACMG/AMP Criteria applied: PVS1, PM2_Supporting, PM3, PP1 (Richards 2015).

Institute of Human Genetics Munich, TUM University Hospital
Classification: Pathogenic for Diencephalic-mesencephalic junction dysplasia syndrome 1. Last evaluated: 2022-05-13. Review status: criteria provided, single submitter. Criteria: Classification criteria August 2017. Collection method: clinical testing. Allele origin: maternal. Inheritance: Autosomal recessive inheritance. Affected: yes. Observed: 1 variant allele.

Institute of Medical Genetics and Applied Genomics, University Hospital Tübingen
Classification: Pathogenic for Diencephalic-mesencephalic junction dysplasia. Last evaluated: 2022-03-03. Review status: criteria provided, single submitter. Criteria: ACMG Guidelines, 2015. Collection method: clinical testing. Allele origin: germline. Inheritance: Autosomal recessive inheritance. Affected: yes.

Neuberg Centre For Genomic Medicine, NCGM
Classification: Pathogenic for Diencephalic-mesencephalic junction dysplasia syndrome 1. Review status: criteria provided, single submitter. Criteria: ACMG Guidelines, 2015. Collection method: clinical testing. Allele origin: germline. Inheritance: Autosomal recessive inheritance. Affected: yes.
Comment: The stop gained c.451C>T p.Arg151Ter variant in PCDH12 gene has been previously reported in homozygous state in two unrelated individuals affected with diencephalic-mesencephalic junction dysplasia syndrome 1 Hiz et. al., 2022 and also previously reported in three affected relatives from one family with diencephalic-mesencephalic junction dysplasia syndrome 1 GuemezGamboa et. al., 2018 and segregated with disease in this family. The p.Arg151Ter variant is present with allele frequency of 0.0004% in gnomAD exomes database. This variant has been submitted to the ClinVar database as Pathogenic multiple submitters. Computational evidence MutationTaster - disease causing predict a damaging effect on protein structure and function for this variant. The reference amino acid at this position on PCDH12 gene is predicted as conserved by GERP++ and PhyloP across 100 vertebrates. This nonsense variant leads to a premature termination codon at position 151, which is predicted to lead to a truncated or absent protein. Loss of function of the PCDH12 gene is an established disease mechanism in autosomal recessive diencephalic-mesencephalic junction dysplasia syndrome 1. For these reasons, this variant has been classified as Pathogenic.